The following is an entry in ClinVar:

NM_001005242.3(PKP2):c.1788_1789del (p.Asp596fs)

Gene: PKP2 (plakophilin 2; minus strand). Cytogenetic location: 12p11.21.
Variant type: Deletion.
Coding change: c.1788_1789del on transcript NM_001005242.3 (MANE Select); coding-DNA positions 1788 to 1789, 2 bases deleted (CA; older notation c.1788_1789delCA).
Protein change: p.Asp596fs; shifts the reading frame from aspartic acid 596.
Molecular consequence: frameshift variant.
Genome position (GRCh38, 1-based): chr12:32,822,517-32,822,518, TG deleted on the plus strand (CA on the coding strand, the reverse complement: PKP2 is on the minus strand); deleting any 2 consecutive bases within chr12:32,822,517-32,822,519 gives the same sequence; the c. name uses the placement nearest the transcript's 3' end. VCF-style (leftmost placement, unchanged base first): chr12-32822516-TTG-T. GRCh37 (hg19) VCF-style: chr12-32975450-TTG-T.
Other names: c.1787_1788delAC, p.Asp596Glufs (NM_001407155.1, NM_001407161.1); c.1919_1920delAC, p.Asp640Glufs (NM_001407157.1); c.1460_1461delAC, p.Asp487Glufs (NM_001407158.1, NM_001407159.1, NM_001407160.1 and 1 more transcripts); c.1920_1921del, p.Asp640fs (NM_004572.4); c.1920_1921delCA (NM_004572.3); short protein forms D640fs, D596fs.
Identifiers: ClinVar variation 1782659 (VCV001782659.7), dbSNP rs1447337068, ClinGen allele CA687448976.

ClinVar aggregate classification (germline): Pathogenic/Likely pathogenic. Review status: criteria provided, multiple submitters, no conflicts (2 of 4 stars). 3 submissions from 3 submitters: Pathogenic (2); Likely pathogenic (1). Last evaluated 2024-01-13.

Conditions:
Arrhythmogenic right ventricular dysplasia 9 (ARVD9). Also called: Arrhythmogenic Right Ventricular Dysplasia/Cardiomyopathy 9; ARRHYTHMOGENIC RIGHT VENTRICULAR DYSPLASIA, FAMILIAL, 9. Identifiers: MedGen C1836906, MONDO:0012180, OMIM 609040.
Cardiovascular phenotype. Identifiers: MedGen CN230736.

Submissions (3):

Labcorp Genetics (formerly Invitae), Labcorp
Classification: Pathogenic for Arrhythmogenic right ventricular dysplasia 9. Last evaluated: 2024-01-13. Review status: criteria provided, single submitter. Criteria: Invitae Variant Classification Sherloc (09022015). Collection method: clinical testing. Allele origin: germline.
Comment: This sequence change creates a premature translational stop signal (p.Asp640Glufs*102) in the PKP2 gene. It is expected to result in an absent or disrupted protein product. Loss-of-function variants in PKP2 are known to be pathogenic (PMID: 15489853, 23911551). This variant is not present in population databases (gnomAD no frequency). This variant has not been reported in the literature in individuals affected with PKP2-related conditions. ClinVar contains an entry for this variant (Variation ID: 1782659). For these reasons, this variant has been classified as Pathogenic.

Ambry Genetics
Classification: Pathogenic for Cardiovascular phenotype. Last evaluated: 2021-08-26. Review status: criteria provided, single submitter. Criteria: Ambry Variant Classification Scheme 2023. Collection method: clinical testing. Allele origin: germline.
Comment: The c.1920_1921delCA pathogenic mutation, located in coding exon 9 of the PKP2 gene, results from a deletion of two nucleotides at nucleotide positions 1920 to 1921, causing a translational frameshift with a predicted alternate stop codon (p.D640Efs*102). This variant is considered to be rare based on population cohorts in the Genome Aggregation Database (gnomAD). In addition, this alteration is expected to result in loss of function by premature protein truncation or nonsense-mediated mRNA decay. As such, this alteration is interpreted as a disease-causing mutation.

Juno Genomics, Hangzhou Juno Genomics, Inc
Classification: Likely pathogenic for Arrhythmogenic right ventricular dysplasia 9. Review status: criteria provided, single submitter. Criteria: ACMG Guidelines, 2015. Collection method: clinical testing. Allele origin: germline.
Comment: Null variant in a gene where loss of function (LOF) is a known mechanism of disease.;Absent from controls (or at extremely low frequency if recessive) in Genome Aggregation Database.

Literature cited by the submitters: PubMed 15489853 (cited by Labcorp Genetics (formerly Invitae), Labcorp); PubMed 23911551 (cited by Labcorp Genetics (formerly Invitae), Labcorp).